The following is an entry in ClinVar:

NM_000238.4(KCNH2):c.76+3G>A

Gene: KCNH2 (potassium voltage-gated channel subfamily H member 2; minus strand). Cytogenetic location: 7q36.1.
Variant type: single nucleotide variant.
Coding change: c.76+3G>A on transcript NM_000238.4 (MANE Select); 3 bases into the intron after coding-DNA position 76, G replaced by A.
Molecular consequence: intron variant.
Genome position (GRCh38, 1-based): chr7:150,977,835, C>T on the plus strand (G>A on the coding strand, the complement: KCNH2 is on the minus strand). VCF-style: chr7-150977835-C-T. GRCh37 (hg19) VCF-style: chr7-150674923-C-T.
Other names: c.76+3G>A (NM_172056.3, NM_000238.3).
Identifiers: ClinVar variation 1039516 (VCV001039516.10), dbSNP rs779301847, ClinGen allele CA040384.

ClinVar aggregate classification (germline): Conflicting classifications of pathogenicity. Review status: criteria provided, conflicting classifications (1 of 4 stars). 3 submissions from 3 submitters: Uncertain significance (2); Likely benign (1). Last evaluated 2026-01-21.

Conditions:
Cardiovascular phenotype. Identifiers: MedGen CN230736.
Cardiac arrhythmia. Also called: Cardiac rhythm disease; Arrhythmia. Identifiers: MedGen C0003811, MONDO:0007263, HP:0011675.
Long QT syndrome (LQTS). Identifiers: MedGen C0023976, MeSH D008133, MONDO:0002442. Disease mechanism: loss of function. Inheritance: Various modes of inheritance.

Allele frequency attached by ClinVar (database versions not stated): gnomAD exomes 0.00001 and 0.00003; ExAC 0.00001.
gnomAD v4.1: 8 of 1,545,454 alleles (0.00052%); highest among the groups gnomAD compares: Admixed American, 0.0085%; no homozygotes.

Submissions (3):

Labcorp Genetics (formerly Invitae), Labcorp
Classification: Uncertain significance for Long QT syndrome. Last evaluated: 2026-01-21. Review status: criteria provided, single submitter. Criteria: Invitae Variant Classification Sherloc (09022015). Collection method: clinical testing. Allele origin: germline.
Comment: This sequence change falls in intron 1 of the KCNH2 gene. It does not directly change the encoded amino acid sequence of the KCNH2 protein. It affects a nucleotide within the consensus splice site. This variant is present in population databases (rs779301847, gnomAD 0.02%). This variant has not been reported in the literature in individuals affected with KCNH2-related conditions. ClinVar contains an entry for this variant (Variation ID: 1039516). Variants that disrupt the consensus splice site are a relatively common cause of aberrant splicing (PMID: 17576681, 9536098). Algorithms developed to predict the effect of sequence changes on RNA splicing suggest that this variant is not likely to affect RNA splicing. In summary, the available evidence is currently insufficient to determine the role of this variant in disease. Therefore, it has been classified as a Variant of Uncertain Significance.

Color Diagnostics, LLC DBA Color Health
Classification: Uncertain significance for Cardiac arrhythmia. Last evaluated: 2025-06-02. Review status: criteria provided, single submitter. Criteria: ACMG Guidelines, 2015. Collection method: clinical testing. Allele origin: germline.
Comment: This variant causes a G to A nucleotide substitution at the +3 position of intron 1 of the KCNH2 gene. To our knowledge, functional studies have not been reported for this variant. This variant has not been reported in individuals affected with KCNH2-related disorders in the literature. This variant has been identified in 6/228862 chromosomes in the general population by the Genome Aggregation Database (gnomAD). The available evidence is insufficient to determine the role of this variant in disease conclusively. Therefore, this variant is classified as a Variant of Uncertain Significance.

Ambry Genetics
Classification: Likely benign for Cardiovascular phenotype. Last evaluated: 2023-03-24. Review status: criteria provided, single submitter. Criteria: Ambry Variant Classification Scheme 2023. Collection method: clinical testing. Allele origin: germline.

Literature cited by the submitters: PubMed 17576681 (cited by Labcorp Genetics (formerly Invitae), Labcorp); PubMed 9536098 (cited by Labcorp Genetics (formerly Invitae), Labcorp).